The following is an entry in ClinVar:

ClinVar aggregate classification (germline): Uncertain significance (1 of 4 stars; one submission).

Submission:

Labcorp Genetics (formerly Invitae), Labcorp
Classification: Uncertain significance. Last evaluated: 2024-03-27. Review status: criteria provided, single submitter. Criteria: Invitae Variant Classification Sherloc (09022015). Collection method: clinical testing. Allele origin: germline.
Comment: This sequence change replaces asparagine, which is neutral and polar, with aspartic acid, which is acidic and polar, at codon 184 of the POLG2 protein (p.Asn184Asp). This variant is not present in population databases (gnomAD no frequency). This variant has not been reported in the literature in individuals affected with POLG2-related conditions. An algorithm developed to predict the effect of missense changes on protein structure and function (PolyPhen-2) suggests that this variant is likely to be tolerated. In summary, the available evidence is currently insufficient to determine the role of this variant in disease. Therefore, it has been classified as a Variant of Uncertain Significance.

NM_007215.4(POLG2):c.550A>G (p.Asn184Asp)

Genes: MILR1 (mast cell immunoglobulin like receptor 1; plus strand), POLG2 (DNA polymerase gamma 2, accessory subunit; minus strand). Cytogenetic location: 17q23.3.
Variant type: single nucleotide variant.
Coding change: c.550A>G on transcript NM_007215.4 (MANE Select); coding-DNA position 550, A replaced by G.
Protein change: p.Asn184Asp; replaces asparagine 184 with aspartic acid.
Molecular consequence: missense variant.
Genome position (GRCh38, 1-based): chr17:64,496,419, T>C on the plus strand (A>G on the coding strand, the complement: POLG2 is on the minus strand). VCF-style: chr17-64496419-T-C. GRCh37 (hg19) VCF-style: chr17-62492537-T-C.
Other names: short protein forms N184D.
Identifiers: ClinVar variation 3647021 (VCV003647021.2).
Genomic context (GRCh38, chr17:64,496,419, plus strand): 5'-GCCTTTCCACCCGACACCTGTTTTGAAGCATGAAATCGTGAAGCATACCGTGAAGAAGGT[T>C]CTCCCGTAGTTTCCCAGAAGTTTTTAATACGTTCTCAAGAAATGCTACTAGCTGTTCCTT-3'
Protein context (NP_009146.2, residues 174-194): VLKTSGKLRE[Asn184Asp]LLHGALEHYV